The following is an entry in ClinVar:

ClinVar aggregate classification (germline): Benign/Likely benign. Review status: criteria provided, multiple submitters, no conflicts (2 of 4 stars). 3 submissions from 3 submitters: Benign (1); Likely benign (2). Last evaluated 2025-03-07.

Conditions:
Hereditary cancer-predisposing syndrome. Also called: Tumor predisposition; Hereditary Cancer Syndrome; Hereditary neoplastic syndrome; Neoplastic Syndromes, Hereditary. Identifiers: Orphanet 140162, MedGen C0027672, MeSH D009386, MONDO:0015356.
Pheochromocytoma/paraganglioma syndrome 5. Also called: Paragangliomas 5; SDHA-Related Hereditary Paraganglioma-Pheochromocytoma Syndrome. Identifiers: Orphanet 29072, MedGen C3279992, MONDO:0013602, OMIM 614165.
Mitochondrial complex II deficiency, nuclear type 1. Also called: SUCCINATE CoQ REDUCTASE DEFICIENCY. Identifiers: Orphanet 3208, MedGen C5700310, MONDO:0100294, OMIM 252011.

Allele frequency attached by ClinVar (database versions not stated): gnomAD exomes below 0.00001.

Submissions (3):

Myriad Genetics, Inc.
Classification: Benign for Pheochromocytoma/paraganglioma syndrome 5. Last evaluated: 2025-03-07. Review status: criteria provided, single submitter. Criteria: Myriad Autosomal Dominant, Autosomal Recessive and X-Linked Classification Criteria (2023). Collection method: clinical testing. Allele origin: unknown.
Comment: This variant is considered benign. This variant is a silent/synonymous amino acid change and it is not expected to impact splicing.

Labcorp Genetics (formerly Invitae), Labcorp
Classification: Likely benign for Pheochromocytoma/paraganglioma syndrome 5; Mitochondrial complex II deficiency, nuclear type 1. Last evaluated: 2023-06-14. Review status: criteria provided, single submitter. Criteria: Invitae Variant Classification Sherloc (09022015). Collection method: clinical testing. Allele origin: germline.

Ambry Genetics
Classification: Likely benign for Hereditary cancer-predisposing syndrome. Last evaluated: 2021-06-30. Review status: criteria provided, single submitter. Criteria: Ambry Variant Classification Scheme 2023. Collection method: clinical testing. Allele origin: germline.

NM_004168.4(SDHA):c.1045C>T (p.Leu349=)

Gene: SDHA (succinate dehydrogenase complex flavoprotein subunit A; plus strand). Cytogenetic location: 5p15.33.
Variant type: single nucleotide variant.
Coding change: c.1045C>T on transcript NM_004168.4 (MANE Select); coding-DNA position 1045, C replaced by T.
Protein change: p.Leu349=; no amino-acid change (leucine 349 retained).
Molecular consequence: synonymous variant.
Genome position (GRCh38, 1-based): chr5:233,626, C>T. VCF-style: chr5-233626-C-T. GRCh37 (hg19) VCF-style: chr5-233741-C-T.
Other names: c.901C>T, p.Leu301= (NM_001294332.2); c.1045C>T, p.Leu349= (NM_001330758.2).
Identifiers: ClinVar variation 1775271 (VCV001775271.6), dbSNP rs1560994964, ClinGen allele CA442691734.